The following is an entry in ClinVar:

ClinVar aggregate classification (germline): Pathogenic (1 of 4 stars; one submission).

Conditions:
Familial thoracic aortic aneurysm and aortic dissection (TAAD). Also called: Thoracic aortic aneurysms and dissections. Identifiers: Orphanet 91387, MedGen C4707243, MONDO:0019625.

Submission:

Ambry Genetics
Classification: Pathogenic for Familial thoracic aortic aneurysm and aortic dissection. Last evaluated: 2017-02-27. Review status: criteria provided, single submitter. Criteria: Ambry Variant Classification Scheme 2023. Collection method: clinical testing. Allele origin: germline.
Comment: The c.111delC pathogenic mutation, located in coding exon 1 of the FBN1 gene, results from a deletion of one nucleotide at nucleotide position 111, causing a translational frameshift with a predicted alternate stop codon (p.R38Efs*70). This alteration is expected to result in loss of function by premature protein truncation or nonsense-mediated mRNA decay. As such, this alteration is interpreted as a disease-causing mutation.

NM_000138.5(FBN1):c.111del (p.Arg38fs)

Gene: FBN1 (fibrillin 1; minus strand). Cytogenetic location: 15q21.1.
Variant type: Deletion.
Coding change: c.111del on transcript NM_000138.5 (MANE Select); coding-DNA position 111, one base deleted (C; older notation c.111delC).
Protein change: p.Arg38fs; shifts the reading frame from arginine 38.
Molecular consequence: frameshift variant.
Genome position (GRCh38, 1-based): chr15:48,644,659, G deleted on the plus strand (C on the coding strand, the reverse complement: FBN1 is on the minus strand); the first of 2 consecutive G bases (chr15:48,644,659-48,644,660); deleting either gives the same sequence. VCF-style (leftmost placement, unchanged base first): chr15-48644658-TG-T. GRCh37 (hg19) VCF-style: chr15-48936855-TG-T.
Other names: c.111delC (NM_000138.4); short protein forms R38fs.
Identifiers: ClinVar variation 519700 (VCV000519700.5), dbSNP rs1555407416, ClinGen allele CA658798379.